The following is an entry in ClinVar:

NM_020829.4(RIC1):c.2304C>T (p.Ile768=)

Genes: RIC1 (RIC1 partner of RAB6A GEF complex; plus strand), LOC126860568 (CDK7 strongly-dependent group 2 enhancer GRCh37_chr9:5762408-5763607; plus strand). Cytogenetic location: 9p24.1.
Variant type: single nucleotide variant.
Coding change: c.2304C>T on transcript NM_020829.4 (MANE Select); coding-DNA position 2304, C replaced by T.
Protein change: p.Ile768=; no amino-acid change (isoleucine 768 retained).
Molecular consequence: synonymous variant.
Genome position (GRCh38, 1-based): chr9:5,763,331, C>T. VCF-style: chr9-5763331-C-T. GRCh37 (hg19) VCF-style: chr9-5763331-C-T.
Other names: c.2304C>T, p.Ile768= (NM_001135920.4); c.2193C>T, p.Ile731= (NM_001206557.2).
Identifiers: ClinVar variation 2659053 (VCV002659053.24), dbSNP rs993347581, ClinGen allele CA188552471.

ClinVar aggregate classification (germline): Likely benign (1 of 4 stars; one submission).

Allele frequency attached by ClinVar (database versions not stated): gnomAD exomes below 0.00001; TOPMed below 0.00001.
gnomAD v4.1: 4 of 1,614,204 alleles (0.00025%); highest among the groups gnomAD compares: Middle Eastern, 0.049%; no homozygotes.

Submission:

CeGaT Center for Human Genetics Tuebingen
Classification: Likely benign. Last evaluated: 2023-05-01. Review status: criteria provided, single submitter. Criteria: CeGaT Center For Human Genetics Tuebingen Variant Classification Criteria Version 2. Collection method: clinical testing. Allele origin: germline. Affected: yes. Observed: 1 variant allele.
Comment: RIC1: PM2:Supporting, BP4, BP7